The following is an entry in ClinVar:

ClinVar aggregate classification (germline): Uncertain significance (1 of 4 stars; one submission).

Allele frequency attached by ClinVar (database versions not stated): gnomAD exomes below 0.00001 and 0.00002; TOPMed below 0.00001; gnomAD 0.00001; ExAC 0.00002.
gnomAD v4.1: 7 of 1,612,276 alleles (0.00043%); highest among the groups gnomAD compares: East Asian, 0.0089%; no homozygotes.

Submission:

Laboratory for Molecular Medicine, Mass General Brigham Personalized Medicine
Classification: Uncertain significance. Last evaluated: 2015-08-08. Review status: criteria provided, single submitter. Criteria: LMM Criteria. Collection method: clinical testing. Allele origin: germline. Observed: 1 variant allele.
Comment: Variant classified as Uncertain Significance - Favor Benign. The p.Phe10109Ser v ariant in TTN has not been previously reported in individuals with cardiomyopath y, but has been identified in 2/8620 of East Asian chromosomes by the Exome Aggr egation Consortium (ExAC). Computational predict ion tools and conservation analysis suggest that the p.Phe10109Ser variant may n ot impact the protein and several species including 3 mammals carry the variant amino acid (serine), suggesting that this change may be tolerated. In summary, w hile the clinical significance of the p.Phe10109Ser variant is uncertain, these data suggest that it is more likely to be benign.

NM_001267550.2(TTN):c.34058T>C (p.Phe11353Ser)

Gene: TTN (titin; minus strand). Cytogenetic location: 2q31.2.
Variant type: single nucleotide variant.
Coding change: c.34058T>C on transcript NM_001267550.2 (MANE Select); coding-DNA position 34058, T replaced by C.
Protein change: p.Phe11353Ser; replaces phenylalanine 11353 with serine.
Molecular consequence: missense variant. On other transcripts: intron variant (3).
Genome position (GRCh38, 1-based): chr2:178,677,854, A>G on the plus strand (T>C on the coding strand, the complement: TTN is on the minus strand). VCF-style: chr2-178677854-A-G. GRCh37 (hg19) VCF-style: chr2-179542581-A-G.
Other names: c.30326T>C, p.Phe10109Ser (NM_133378.4); c.33107T>C, p.Phe11036Ser (NM_001256850.1); c.13283-35537T>C (NM_003319.4); c.13859-35537T>C (NM_133437.4); c.13658-35537T>C (NM_133432.3); short protein forms F10109S, F11353S, F11036S.
Identifiers: ClinVar variation 229426 (VCV000229426.5), dbSNP rs752527275, ClinGen allele CA1998147.